The following is an entry in ClinVar:

NM_001256071.3(RNF213):c.15095T>C (p.Leu5032Pro)

Genes: RNF213 (ring finger protein 213; plus strand), RNF213-AS1 (RNF213 antisense RNA 1; minus strand). Cytogenetic location: 17q25.3.
Variant type: single nucleotide variant.
Coding change: c.15095T>C on transcript NM_001256071.3 (MANE Select); coding-DNA position 15095, T replaced by C.
Protein change: p.Leu5032Pro; replaces leucine 5032 with proline.
Molecular consequence: missense variant.
Genome position (GRCh38, 1-based): chr17:80,389,267, T>C. VCF-style: chr17-80389267-T-C. GRCh37 (hg19) VCF-style: chr17-78363067-T-C.
Other names: c.15242T>C, p.Leu5081Pro (NM_001410195.1, NM_020914.5); short protein forms L5032P, L5081P.
Identifiers: ClinVar variation 4071590 (VCV004071590.1).

ClinVar aggregate classification (germline): Uncertain significance (1 of 4 stars; one submission).

gnomAD v4.1: 6 of 1,614,096 alleles (0.00037%); highest among the groups gnomAD compares: Non-Finnish European, 0.00051%; no homozygotes.

Submission:

GeneDx
Classification: Uncertain significance. Last evaluated: 2025-01-22. Review status: criteria provided, single submitter. Criteria: GeneDx Variant Classification Process June 2021. Collection method: clinical testing. Allele origin: germline. Affected: yes.
Comment: Not observed at significant frequency in large population cohorts (gnomAD); In silico analysis supports that this missense variant has a deleterious effect on protein structure/function; Has not been previously published as pathogenic or benign to our knowledge